The following is an entry in ClinVar:

ClinVar aggregate classification (germline): Uncertain significance (1 of 4 stars; one submission).

Submission:

Labcorp Genetics (formerly Invitae), Labcorp
Classification: Uncertain significance. Last evaluated: 2022-03-19. Review status: criteria provided, single submitter. Criteria: Invitae Variant Classification Sherloc (09022015). Collection method: clinical testing. Allele origin: germline.
Comment: This variant has not been reported in the literature in individuals affected with SZT2-related conditions. This sequence change replaces leucine, which is neutral and non-polar, with isoleucine, which is neutral and non-polar, at codon 2594 of the SZT2 protein (p.Leu2594Ile). This variant is not present in population databases (gnomAD no frequency). ClinVar contains an entry for this variant (Variation ID: 841854). Algorithms developed to predict the effect of missense changes on protein structure and function (SIFT, PolyPhen-2, Align-GVGD) all suggest that this variant is likely to be tolerated. In summary, the available evidence is currently insufficient to determine the role of this variant in disease. Therefore, it has been classified as a Variant of Uncertain Significance.

NM_001365999.1(SZT2):c.7951C>A (p.Leu2651Ile)

Gene: SZT2 (SZT2 subunit of KICSTOR complex; plus strand). Cytogenetic location: 1p34.2.
Variant type: single nucleotide variant.
Coding change: c.7951C>A on transcript NM_001365999.1 (MANE Select); coding-DNA position 7951, C replaced by A.
Protein change: p.Leu2651Ile; replaces leucine 2651 with isoleucine.
Molecular consequence: missense variant.
Genome position (GRCh38, 1-based): chr1:43,442,345, C>A. VCF-style: chr1-43442345-C-A. GRCh37 (hg19) VCF-style: chr1-43908016-C-A.
Other names: c.7780C>A, p.Leu2594Ile (NM_015284.4); short protein forms L2594I, L2651I.
Identifiers: ClinVar variation 841854 (VCV000841854.9), dbSNP rs1655156690, ClinGen allele CA340037193.